The following is an entry in ClinVar:

ClinVar aggregate classification (germline): Uncertain significance (1 of 4 stars; one submission).

Conditions:
Hereditary cancer-predisposing syndrome. Also called: Neoplastic Syndromes, Hereditary; Tumor predisposition; Hereditary Cancer Syndrome; Hereditary neoplastic syndrome. Identifiers: Orphanet 140162, MedGen C0027672, MeSH D009386, MONDO:0015356.

Submission:

Ambry Genetics
Classification: Uncertain significance for Hereditary cancer-predisposing syndrome. Last evaluated: 2019-04-04. Review status: criteria provided, single submitter. Criteria: Ambry Variant Classification Scheme 2023. Collection method: clinical testing. Allele origin: germline.
Comment: The p.D257A variant (also known as c.770A>C), located in coding exon 4 of the MSH6 gene, results from an A to C substitution at nucleotide position 770. The aspartic acid at codon 257 is replaced by alanine, an amino acid with dissimilar properties. This amino acid position is highly conserved in available vertebrate species. In addition, this alteration is predicted to be deleterious by in silico analysis. In addition, the CoDP in silico tool predicts this alteration to have minor impact on molecular function, with a score of 0.017 (Terui H et al. J. Biomed. Sci. 2013 Apr;20:25). Since supporting evidence is limited at this time, the clinical significance of this alteration remains unclear.

NM_000179.3(MSH6):c.770A>C (p.Asp257Ala)

Gene: MSH6 (mutS homolog 6; plus strand). Cytogenetic location: 2p16.3.
Variant type: single nucleotide variant.
Coding change: c.770A>C on transcript NM_000179.3 (MANE Select); coding-DNA position 770, A replaced by C.
Protein change: p.Asp257Ala; replaces aspartic acid 257 with alanine.
Molecular consequence: missense variant. On other transcripts: 5 prime UTR variant (2).
Genome position (GRCh38, 1-based): chr2:47,798,753, A>C. VCF-style: chr2-47798753-A-C. GRCh37 (hg19) VCF-style: chr2-48025892-A-C.
Other names: c.380A>C, p.Asp127Ala (NM_001281492.2); c.-137A>C (NM_001281493.2, NM_001281494.2, NM_001406811.1 and 6 more transcripts); c.866A>C, p.Asp289Ala (NM_001406795.1, NM_001406802.1); c.770A>C, p.Asp257Ala (NM_001406796.1, NM_001406798.1, NM_001406800.1 and 4 more transcripts); c.473A>C, p.Asp158Ala (NM_001406797.1, NM_001406801.1, NM_001406805.1 and 10 more transcripts); c.245A>C, p.Asp82Ala (NM_001406799.1, NM_001406806.1, NM_001406807.1); c.692A>C, p.Asp231Ala (NM_001406804.1); c.776A>C, p.Asp259Ala (NM_001406813.1); and 1 more; short protein forms D257A, D82A, D127A, D289A, D231A, D259A, D158A, D201A.
Identifiers: ClinVar variation 1760249 (VCV001760249.2), dbSNP rs2530570583, ClinGen allele CA346740205.
Genomic context (GRCh38, chr2:47,798,753, plus strand): 5'-GATCTAGGCGAAGTAGCCGCCAAATAAAAAAACGAAGGGTCATATCAGATTCTGAGAGTG[A>C]CATTGGTGGCTCTGATGTGGAATTTAAGCCAGACACTAAGGAGGAAGGAAGCAGTGATGA-3'
Protein context (NP_000170.1, residues 247-267): KRRVISDSES[Asp257Ala]IGGSDVEFKP